The following is an entry in ClinVar:

NM_032242.4(PLXNA1):c.2585C>T (p.Thr862Ile)

Gene: PLXNA1 (plexin A1; plus strand). Cytogenetic location: 3q21.3.
Variant type: single nucleotide variant.
Coding change: c.2585C>T on transcript NM_032242.4 (MANE Select); coding-DNA position 2585, C replaced by T.
Protein change: p.Thr862Ile; replaces threonine 862 with isoleucine.
Molecular consequence: missense variant.
Genome position (GRCh38, 1-based): chr3:127,014,356, C>T. VCF-style: chr3-127014356-C-T. GRCh37 (hg19) VCF-style: chr3-126733199-C-T.
Other names: short protein forms T862I.
Identifiers: ClinVar variation 4989559 (VCV004989559.1).

ClinVar aggregate classification (germline): Uncertain significance (1 of 4 stars; one submission).

Conditions:
PLXNA1-related disorder. Also called: PLXNA1-related condition.

gnomAD v4.1: 4 of 1,593,578 alleles (0.00025%); highest among the groups gnomAD compares: Admixed American, 0.0034%; no homozygotes.

Submission:

PreventionGenetics, part of Exact Sciences
Classification: Uncertain significance for PLXNA1-related condition. Last evaluated: 2025-11-11. Review status: criteria provided, single submitter. Criteria: ACMG Guidelines, 2015. Collection method: clinical testing. Allele origin: germline.
Comment: The PLXNA1 c.2585C>T variant is predicted to result in the amino acid substitution p.Thr862Ile. To our knowledge, this variant has not been reported in the literature. This variant is reported in 0.0030% of alleles in individuals of Latino descent in gnomAD. At this time, the clinical significance of this variant is uncertain due to the absence of conclusive functional and genetic evidence.